The following is an entry in ClinVar:

NM_018979.4(WNK1):c.75C>T (p.Pro25=)

Gene: WNK1 (WNK lysine deficient protein kinase 1; plus strand). Cytogenetic location: 12p13.33.
Variant type: single nucleotide variant.
Coding change: c.75C>T on transcript NM_018979.4 (MANE Select); coding-DNA position 75, C replaced by T.
Protein change: p.Pro25=; no amino-acid change (proline 25 retained).
Molecular consequence: synonymous variant.
Genome position (GRCh38, 1-based): chr12:753,640, C>T. VCF-style: chr12-753640-C-T. GRCh37 (hg19) VCF-style: chr12-862806-C-T.
Other names: c.75C>T, p.Pro25= (NM_001184985.2, NM_014823.3, NM_213655.5).
Identifiers: ClinVar variation 4985353 (VCV004985353.1).

ClinVar aggregate classification (germline): Likely benign (1 of 4 stars; one submission).

Conditions:
WNK1-related disorder. Also called: WNK1-related condition.

gnomAD v4.1: 3 of 1,612,656 alleles (0.00019%); highest among the groups gnomAD compares: Non-Finnish European, 0.00017%; no homozygotes.

Submission:

PreventionGenetics, part of Exact Sciences
Classification: Likely benign for WNK1-related condition. Last evaluated: 2025-09-10. Review status: criteria provided, single submitter. Criteria: ACMG Guidelines, 2015. Collection method: clinical testing. Allele origin: germline.
Comment: This variant is classified as likely benign based on ACMG/AMP sequence variant interpretation guidelines (Richards et al. 2015 PMID: 25741868, with internal and published modifications).